The following is an entry in ClinVar:

ClinVar aggregate classification (germline): Benign/Likely benign. Review status: criteria provided, multiple submitters, no conflicts (2 of 4 stars). 3 submissions from 3 submitters: Benign (1); Likely benign (2). Last evaluated 2025-10-08.

Conditions:
Hereditary leiomyomatosis and renal cell cancer. Also called: Familial leiomyomatosis; Reed syndrome; Multiple cutaneous and uterine leiomyomatosis; Cutaneous leiomyomata with uterine leiomyomata; Leiomyoma, hereditary multiple, of skin; Multiple cutaneous and uterine leiomyomata. Identifiers: Orphanet 523, MedGen C1708350, MONDO:0007888, OMIM 150800, HP:0007437. Disease mechanism: loss of function.
Hereditary cancer-predisposing syndrome. Also called: Neoplastic Syndromes, Hereditary; Hereditary Cancer Syndrome; Hereditary neoplastic syndrome; Tumor predisposition. Identifiers: Orphanet 140162, MedGen C0027672, MeSH D009386, MONDO:0015356.

Allele frequency attached by ClinVar (database versions not stated): gnomAD exomes below 0.00001.
gnomAD v4.1: 4 of 1,613,960 alleles (0.00025%); highest among the groups gnomAD compares: Non-Finnish European, 0.00034%; no homozygotes.

Submissions (3):

Ambry Genetics
Classification: Likely benign for Hereditary cancer-predisposing syndrome. Last evaluated: 2025-10-08. Review status: criteria provided, single submitter. Criteria: Ambry Variant Classification Scheme 2023. Collection method: clinical testing. Allele origin: germline.

Myriad Genetics, Inc.
Classification: Benign for Hereditary leiomyomatosis and renal cell cancer. Last evaluated: 2024-10-18. Review status: criteria provided, single submitter. Criteria: Myriad Autosomal Dominant, Autosomal Recessive and X-Linked Classification Criteria (2023). Collection method: clinical testing. Allele origin: unknown.
Comment: This variant is considered benign. This variant is a silent/synonymous amino acid change and it is not expected to impact splicing.

Labcorp Genetics (formerly Invitae), Labcorp
Classification: Likely benign. Last evaluated: 2023-11-13. Review status: criteria provided, single submitter. Criteria: Invitae Variant Classification Sherloc (09022015). Collection method: clinical testing. Allele origin: germline.

NM_000143.4(FH):c.600A>G (p.Ala200=)

Gene: FH (fumarate hydratase; minus strand). Cytogenetic location: 1q43.
Variant type: single nucleotide variant.
Coding change: c.600A>G on transcript NM_000143.4 (MANE Select); coding-DNA position 600, A replaced by G.
Protein change: p.Ala200=; no amino-acid change (alanine 200 retained).
Molecular consequence: synonymous variant.
Genome position (GRCh38, 1-based): chr1:241,508,741, T>C on the plus strand (A>G on the coding strand, the complement: FH is on the minus strand). VCF-style: chr1-241508741-T-C. GRCh37 (hg19) VCF-style: chr1-241672041-T-C.
Identifiers: ClinVar variation 733302 (VCV000733302.11), dbSNP rs1490011492, ClinGen allele CA424076148.